The following is an entry in ClinVar:

ClinVar aggregate classification (germline): Uncertain significance. Review status: criteria provided, multiple submitters, no conflicts (2 of 4 stars). 2 submissions from 2 submitters: Uncertain significance (2). Last evaluated 2025-01-10.

gnomAD v4.1: 1 of 1,613,764 alleles (0.000062%); highest among the groups gnomAD compares: Non-Finnish European, 0.000085%; no homozygotes.

Submissions (2):

Ambry Genetics
Classification: Uncertain significance. Last evaluated: 2025-01-10. Review status: criteria provided, single submitter. Criteria: Ambry Variant Classification Scheme 2023. Collection method: clinical testing. Allele origin: germline.

Labcorp Genetics (formerly Invitae), Labcorp
Classification: Uncertain significance. Last evaluated: 2024-04-10. Review status: criteria provided, single submitter. Criteria: Invitae Variant Classification Sherloc (09022015). Collection method: clinical testing. Allele origin: germline.
Comment: This sequence change replaces glutamic acid, which is acidic and polar, with lysine, which is basic and polar, at codon 1226 of the TOP2B protein (p.Glu1226Lys). This variant is not present in population databases (gnomAD no frequency). This variant has not been reported in the literature in individuals affected with TOP2B-related conditions. An algorithm developed to predict the effect of missense changes on protein structure and function (PolyPhen-2) suggests that this variant is likely to be tolerated. In summary, the available evidence is currently insufficient to determine the role of this variant in disease. Therefore, it has been classified as a Variant of Uncertain Significance.

NM_001330700.2(TOP2B):c.3691G>A (p.Glu1231Lys)

Gene: TOP2B (DNA topoisomerase II beta; minus strand). Cytogenetic location: 3p24.2.
Variant type: single nucleotide variant.
Coding change: c.3691G>A on transcript NM_001330700.2 (MANE Select); coding-DNA position 3691, G replaced by A.
Protein change: p.Glu1231Lys; replaces glutamic acid 1231 with lysine.
Molecular consequence: missense variant.
Genome position (GRCh38, 1-based): chr3:25,612,610, C>T on the plus strand (G>A on the coding strand, the complement: TOP2B is on the minus strand). VCF-style: chr3-25612610-C-T. GRCh37 (hg19) VCF-style: chr3-25654101-C-T.
Other names: c.3676G>A, p.Glu1226Lys (NM_001068.3); c.3676G>A (NM_001068.2); short protein forms E1226K, E1231K.
Identifiers: ClinVar variation 3639125 (VCV003639125.3).